The following is an entry in ClinVar:

ClinVar aggregate classification (germline): Benign. Review status: criteria provided, multiple submitters, no conflicts (2 of 4 stars). 2 submissions from 2 submitters: Benign (2). Last evaluated 2025-08-12.

Conditions:
Hemochromatosis type 5. Also called: Iron overload, autosomal dominant. Identifiers: Orphanet 247790, MedGen C1851316, MONDO:0014225, OMIM 615517.

Allele frequency attached by ClinVar (database versions not stated): gnomAD 0.00019 and 0.00029; gnomAD exomes 0.00073 and 0.00026; ExAC 0.00074; 1000 Genomes Project 0.00180; 1000 Genomes Project 30x 0.00187; TOPMed 0.00033.
gnomAD v4.1: 428 of 1,614,136 alleles (0.027%); highest among the groups gnomAD compares: East Asian, 0.9%; 3 homozygotes.

Submissions (2):

Labcorp Genetics (formerly Invitae), Labcorp
Classification: Benign. Last evaluated: 2025-08-12. Review status: criteria provided, single submitter. Criteria: Invitae Variant Classification Sherloc (09022015). Collection method: clinical testing. Allele origin: germline.

Illumina Laboratory Services, Illumina
Classification: Benign for Hemochromatosis type 5. Last evaluated: 2018-01-12. Review status: criteria provided, single submitter. Criteria: ICSL Variant Classification Criteria 13 December 2019. Collection method: clinical testing. Allele origin: germline.
Comment: This variant was observed in the ICSL laboratory as part of a predisposition screen in an ostensibly healthy population. It had not been previously curated by ICSL or reported in the Human Gene Mutation Database (HGMD: prior to June 1st, 2018), and was therefore a candidate for classification through an automated scoring system. Utilizing variant allele frequency, disease prevalence and penetrance estimates, and inheritance mode, an automated score was calculated to assess if this variant is too frequent to cause the disease. Based on the score and internal cut-off values, a variant classified as benign is not then subjected to further curation. The score for this variant resulted in a classification of benign for this disease.

NM_002032.3(FTH1):c.387+12A>G

Genes: BEST1 (bestrophin 1; plus strand), FTH1 (ferritin heavy chain 1; minus strand). Cytogenetic location: 11q12.3.
Variant type: single nucleotide variant.
Coding change: c.387+12A>G on transcript NM_002032.3 (MANE Select); 12 bases into the intron after coding-DNA position 387, A replaced by G.
Molecular consequence: intron variant.
Genome position (GRCh38, 1-based): chr11:61,964,975, T>C on the plus strand (A>G on the coding strand, the complement: FTH1 is on the minus strand). VCF-style: chr11-61964975-T-C. GRCh37 (hg19) VCF-style: chr11-61732447-T-C.
Identifiers: ClinVar variation 305143 (VCV000305143.13), dbSNP rs201120647, ClinGen allele CA6041251.
Genomic context (GRCh38, chr11:61,964,975, plus strand): 5'-TTAGTGGGCAGCTTTCCCAATCCCTAAGGCAAATGATTTCCTCCATTTATTTCCTGGGGT[T>C]CCAATACTCACATGGGGGTCATTTTTGTCAGTGGCCAGTTTGTGCAGTTCCAGTAGTGAC-3'